The following is an entry in ClinVar:

ClinVar aggregate classification (germline): Likely benign. Review status: criteria provided, multiple submitters, no conflicts (2 of 4 stars). 4 submissions from 4 submitters: Likely benign (4). Last evaluated 2026-08-10.

Conditions:
MOCS1-related disorder. Also called: MOCS1-related condition.
Sulfite oxidase deficiency due to molybdenum cofactor deficiency type A. Also called: Molybdenum Cofactor Deficiency A; Molybdenum cofactor deficiency, complementation group A. Identifiers: Orphanet 308386, Orphanet 833, MedGen C1854988, MONDO:0009643, OMIM 252150.

Allele frequency attached by ClinVar (database versions not stated): ESP Exome Variant Server 0.00015; 1000 Genomes Project 0.00020; ExAC 0.00021; TOPMed 0.00021; gnomAD exomes 0.00022; gnomAD 0.00029; 1000 Genomes Project 30x 0.00031.
gnomAD v4.1: 617 of 1,612,788 alleles (0.038%); highest among the groups gnomAD compares: Non-Finnish European, 0.05%; no homozygotes.

Submissions (4):

PreventionGenetics, part of Exact Sciences
Classification: Likely benign for MOCS1-related condition. Last evaluated: 2026-08-10. Review status: criteria provided, single submitter. Criteria: ACMG Guidelines, 2015. Collection method: clinical testing. Allele origin: germline.
Comment: This variant is classified as likely benign based on ACMG/AMP sequence variant interpretation guidelines (Richards et al. 2015 PMID: 25741868, with internal and published modifications).

Labcorp Genetics (formerly Invitae), Labcorp
Classification: Likely benign for Sulfite oxidase deficiency due to molybdenum cofactor deficiency type A. Last evaluated: 2025-12-19. Review status: criteria provided, single submitter. Criteria: Invitae Variant Classification Sherloc (09022015). Collection method: clinical testing. Allele origin: germline.

CeGaT Center for Human Genetics Tuebingen
Classification: Likely benign. Last evaluated: 2025-07-01. Review status: criteria provided, single submitter. Criteria: CeGaT Center For Human Genetics Tuebingen Variant Classification Criteria Version 2. Collection method: clinical testing. Allele origin: germline. Affected: yes. Observed: 5 variant alleles.
Comment: MOCS1: BP4, BP7

Blueprint Genetics
Classification: Likely benign. Last evaluated: 2024-10-16. Review status: criteria provided, single submitter. Criteria: ACMG Guidelines, 2015. Collection method: clinical testing. Allele origin: germline.

NM_001358530.2(MOCS1):c.357C>T (p.Ile119=)

Gene: MOCS1 (molybdenum cofactor synthesis 1; minus strand). Cytogenetic location: 6p21.2.
Variant type: single nucleotide variant.
Coding change: c.357C>T on transcript NM_001358530.2 (MANE Select); coding-DNA position 357, C replaced by T.
Protein change: p.Ile119=; no amino-acid change (isoleucine 119 retained).
Molecular consequence: synonymous variant. On other transcripts: non-coding transcript variant (1).
Genome position (GRCh38, 1-based): chr6:39,925,739, G>A on the plus strand (C>T on the coding strand, the complement: MOCS1 is on the minus strand). VCF-style: chr6-39925739-G-A. GRCh37 (hg19) VCF-style: chr6-39893483-G-A.
Other names: c.357C>T, p.Ile119= (NM_001075098.4, NM_001358529.2, NM_005943.6); c.96C>T, p.Ile32= (NM_001358531.2, NM_001358533.2, NM_001358534.2); c.357C>T (NM_005943.5).
Identifiers: ClinVar variation 1012772 (VCV001012772.47), dbSNP rs191519805, ClinGen allele CA3796334.